The following is an entry in ClinVar:

NM_198075.4(LRRC56):c.374G>A (p.Arg125His)

Gene: LRRC56 (leucine rich repeat containing 56; plus strand). Cytogenetic location: 11p15.5.
Variant type: single nucleotide variant.
Coding change: c.374G>A on transcript NM_198075.4 (MANE Select); coding-DNA position 374, G replaced by A.
Protein change: p.Arg125His; replaces arginine 125 with histidine.
Molecular consequence: missense variant.
Genome position (GRCh38, 1-based): chr11:549,949, G>A. VCF-style: chr11-549949-G-A. GRCh37 (hg19) VCF-style: chr11-549949-G-A.
Other names: c.374G>A (NM_198075.3); short protein forms R125H.
Identifiers: ClinVar variation 2170246 (VCV002170246.3), dbSNP rs371135949, ClinGen allele CA5779676.

ClinVar aggregate classification (germline): Uncertain significance. Review status: criteria provided, multiple submitters, no conflicts (2 of 4 stars). 2 submissions from 2 submitters: Uncertain significance (2). Last evaluated 2023-03-28.

Allele frequency attached by ClinVar (database versions not stated): gnomAD exomes 0.00005; gnomAD 0.00007; ESP Exome Variant Server 0.00008; ExAC 0.00011; 1000 Genomes Project 30x 0.00016; 1000 Genomes Project 0.00020.
gnomAD v4.1: 81 of 1,612,798 alleles (0.005%); highest among the groups gnomAD compares: East Asian, 0.071%; no homozygotes.

Submissions (2):

Ambry Genetics
Classification: Uncertain significance. Last evaluated: 2023-03-28. Review status: criteria provided, single submitter. Criteria: Ambry Variant Classification Scheme 2023. Collection method: clinical testing. Allele origin: germline.

Labcorp Genetics (formerly Invitae), Labcorp
Classification: Uncertain significance. Last evaluated: 2022-09-29. Review status: criteria provided, single submitter. Criteria: Invitae Variant Classification Sherloc (09022015). Collection method: clinical testing. Allele origin: germline.
Comment: This sequence change replaces arginine, which is basic and polar, with histidine, which is basic and polar, at codon 125 of the LRRC56 protein (p.Arg125His). This variant is present in population databases (rs371135949, gnomAD 0.1%). This variant has not been reported in the literature in individuals affected with LRRC56-related conditions. Advanced modeling of protein sequence and biophysical properties (such as structural, functional, and spatial information, amino acid conservation, physicochemical variation, residue mobility, and thermodynamic stability) has been performed at Invitae for this missense variant, however the output from this modeling did not meet the statistical confidence thresholds required to predict the impact of this variant on LRRC56 protein function. In summary, the available evidence is currently insufficient to determine the role of this variant in disease. Therefore, it has been classified as a Variant of Uncertain Significance.